The following is an entry in ClinVar:

NM_172351.3(CD46):c.901+1G>A

Gene: CD46 (CD46 molecule; plus strand). Cytogenetic location: 1q32.2.
Variant type: single nucleotide variant.
Coding change: c.901+1G>A on transcript NM_172351.3 (MANE Select); the canonical splice donor site of the intron after coding-DNA position 901, G replaced by A.
Molecular consequence: splice donor variant. On other transcripts: intron variant (5).
Genome position (GRCh38, 1-based): chr1:207,767,824, G>A. VCF-style: chr1-207767824-G-A. GRCh37 (hg19) VCF-style: chr1-207941169-G-A.
Other names: c.946+1G>A (NM_002389.4, NM_172359.3); c.901+1G>A (NM_153826.4, NM_172358.3, NM_172355.3 and 1 more transcripts); c.856+629G>A (NM_172352.3, NM_172353.3, NM_172350.3 and 2 more transcripts).
Identifiers: ClinVar variation 2703750 (VCV002703750.3), dbSNP rs2526542722, ClinGen allele CA344551375.

ClinVar aggregate classification (germline): Likely pathogenic (1 of 4 stars; one submission).

gnomAD v4.1: 1 of 1,605,726 alleles (0.000062%); highest among the groups gnomAD compares: South Asian, 0.0011%; no homozygotes.

Submission:

Labcorp Genetics (formerly Invitae), Labcorp
Classification: Likely pathogenic. Last evaluated: 2023-12-17. Review status: criteria provided, single submitter. Criteria: Invitae Variant Classification Sherloc (09022015). Collection method: clinical testing. Allele origin: germline.
Comment: This sequence change affects a donor splice site in intron 8 of the CD46 gene. It is expected to disrupt RNA splicing. Variants that disrupt the donor or acceptor splice site typically lead to a loss of protein function (PMID: 16199547), and loss-of-function variants in CD46 are known to be pathogenic (PMID: 16621965, 23431077). This variant is not present in population databases (gnomAD no frequency). This variant has not been reported in the literature in individuals affected with CD46-related conditions. Algorithms developed to predict the effect of sequence changes on RNA splicing suggest that this variant may disrupt the consensus splice site. In summary, the currently available evidence indicates that the variant is pathogenic, but additional data are needed to prove that conclusively. Therefore, this variant has been classified as Likely Pathogenic.

Literature cited by the submitters: PubMed 16199547; PubMed 16621965; PubMed 23431077.